The following is an entry in ClinVar:

NM_000448.3(RAG1):c.94C>G (p.Leu32Val)

Gene: RAG1 (recombination activating 1; plus strand). Cytogenetic location: 11p12.
Variant type: single nucleotide variant.
Coding change: c.94C>G on transcript NM_000448.3 (MANE Select); coding-DNA position 94, C replaced by G.
Protein change: p.Leu32Val; replaces leucine 32 with valine.
Molecular consequence: missense variant.
Genome position (GRCh38, 1-based): chr11:36,573,398, C>G. VCF-style: chr11-36573398-C-G. GRCh37 (hg19) VCF-style: chr11-36594948-C-G.
Other names: c.94C>G, p.Leu32Val (NM_001377277.1, NM_001377278.1, NM_001377279.1 and 1 more transcripts); short protein forms L32V.
Identifiers: ClinVar variation 660741 (VCV000660741.7), dbSNP rs149364682, ClinGen allele CA5949901.
Genomic context (GRCh38, chr11:36,573,398, plus strand): 5'-AGTTCTGCCCCAGATGAAATTCAGCACCCACATATTAAATTTTCAGAATGGAAATTTAAG[C>G]TGTTCCGGGTGAGATCCTTTGAAAAGACACCTGAAGAAGCTCAAAAGGAAAAGAAGGATT-3'
Protein context (NP_000439.2, residues 22-42): HIKFSEWKFK[Leu32Val]FRVRSFEKTP

ClinVar aggregate classification (germline): Uncertain significance (1 of 4 stars; one submission).

Conditions:
Combined immunodeficiency with skin granulomas. Identifiers: Orphanet 157949, MedGen C2673536, MONDO:0009306, OMIM 233650.
Severe combined immunodeficiency, autosomal recessive, T cell-negative, B cell-negative, NK cell-positive. Also called: Severe combined immunodeficiency due to complete RAG1/2 deficiency; SCID, T CELL-NEGATIVE, B CELL-NEGATIVE, NK CELL-POSITIVE; SCID, AR, T-cell negative, B-cell negative, NK cell-positive. Identifiers: Orphanet 331206, MedGen C1832322, MONDO:0011086, OMIM 601457.

Allele frequency attached by ClinVar (database versions not stated): gnomAD 0.00001 and 0.00003; ExAC 0.00002; gnomAD exomes 0.00002; TOPMed 0.00005; ESP Exome Variant Server 0.00008.
gnomAD v4.1: 110 of 1,613,952 alleles (0.0068%); highest among the groups gnomAD compares: Non-Finnish European, 0.0093%; no homozygotes.

Submission:

Labcorp Genetics (formerly Invitae), Labcorp
Classification: Uncertain significance for Combined immunodeficiency with skin granulomas; Severe combined immunodeficiency, autosomal recessive, T cell-negative, B cell-negative, NK cell-positive. Last evaluated: 2024-07-23. Review status: criteria provided, single submitter. Criteria: Invitae Variant Classification Sherloc (09022015). Collection method: clinical testing. Allele origin: germline.
Comment: This sequence change replaces leucine, which is neutral and non-polar, with valine, which is neutral and non-polar, at codon 32 of the RAG1 protein (p.Leu32Val). This variant is present in population databases (rs149364682, gnomAD 0.004%). This variant has not been reported in the literature in individuals affected with RAG1-related conditions. ClinVar contains an entry for this variant (Variation ID: 660741). Advanced modeling of protein sequence and biophysical properties (such as structural, functional, and spatial information, amino acid conservation, physicochemical variation, residue mobility, and thermodynamic stability) has been performed at Invitae for this missense variant, however the output from this modeling did not meet the statistical confidence thresholds required to predict the impact of this variant on RAG1 protein function. In summary, the available evidence is currently insufficient to determine the role of this variant in disease. Therefore, it has been classified as a Variant of Uncertain Significance.